The following is an entry in ClinVar:

NM_003242.6(TGFBR2):c.189C>A (p.Asn63Lys)

Gene: TGFBR2 (transforming growth factor beta receptor 2; plus strand). Cytogenetic location: 3p24.1.
Variant type: single nucleotide variant.
Coding change: c.189C>A on transcript NM_003242.6 (MANE Select); coding-DNA position 189, C replaced by A.
Protein change: p.Asn63Lys; replaces asparagine 63 with lysine.
Molecular consequence: missense variant. On other transcripts: intron variant (2).
Genome position (GRCh38, 1-based): chr3:30,644,841, C>A. VCF-style: chr3-30644841-C-A. GRCh37 (hg19) VCF-style: chr3-30686333-C-A.
Other names: c.264C>A, p.Asn88Lys (NM_001024847.3, NM_001407126.1, NM_001407139.1); c.189C>A, p.Asn63Lys (NM_001407127.1, NM_001407130.1); c.216C>A, p.Asn72Lys (NM_001407128.1); c.84C>A, p.Asn28Lys (NM_001407129.1, NM_001407132.1, NM_001407133.1 and 3 more transcripts); c.169+21568C>A (NM_001407137.1); c.95-26797C>A (NM_001407138.1); short protein forms N28K, N63K, N72K, N88K.
Identifiers: ClinVar variation 3627525 (VCV003627525.3).

ClinVar aggregate classification (germline): Uncertain significance. Review status: criteria provided, multiple submitters, no conflicts (2 of 4 stars). 2 submissions from 2 submitters: Uncertain significance (2). Last evaluated 2025-07-17.

Conditions:
Familial thoracic aortic aneurysm and aortic dissection (TAAD). Also called: Thoracic aortic aneurysms and dissections. Identifiers: Orphanet 91387, MedGen C4707243, MONDO:0019625.

Submissions (2):

Color Diagnostics, LLC DBA Color Health
Classification: Uncertain significance for Familial thoracic aortic aneurysm and aortic dissection. Last evaluated: 2025-07-17. Review status: criteria provided, single submitter. Criteria: ACMG Guidelines, 2015. Collection method: clinical testing. Allele origin: germline.
Comment: This missense variant replaces asparagine with lysine at codon 63 of the TGFBR2 protein. Computational prediction suggests that this variant may not impact protein structure and function. To our knowledge, functional studies have not been reported for this variant. This variant has not been reported in individuals affected with TGFBR2-related disorders in the literature. This variant has not been identified in the general population by the Genome Aggregation Database (gnomAD). The available evidence is insufficient to determine the role of this variant in disease conclusively. Therefore, this variant is classified as a Variant of Uncertain Significance.

Labcorp Genetics (formerly Invitae), Labcorp
Classification: Uncertain significance for Familial thoracic aortic aneurysm and aortic dissection. Last evaluated: 2024-07-24. Review status: criteria provided, single submitter. Criteria: Invitae Variant Classification Sherloc (09022015). Collection method: clinical testing. Allele origin: germline.
Comment: This sequence change replaces asparagine, which is neutral and polar, with lysine, which is basic and polar, at codon 63 of the TGFBR2 protein (p.Asn63Lys). This variant is not present in population databases (gnomAD no frequency). This variant has not been reported in the literature in individuals affected with TGFBR2-related conditions. Advanced modeling of protein sequence and biophysical properties (such as structural, functional, and spatial information, amino acid conservation, physicochemical variation, residue mobility, and thermodynamic stability) performed at Invitae indicates that this missense variant is not expected to disrupt TGFBR2 protein function with a negative predictive value of 95%. In summary, the available evidence is currently insufficient to determine the role of this variant in disease. Therefore, it has been classified as a Variant of Uncertain Significance.